The following is an entry in ClinVar:

ClinVar aggregate classification (germline): Uncertain significance (1 of 4 stars; one submission).

Conditions:
Singleton-Merten syndrome 1 (SGMRT1). Also called: Widened medullary cavities of bone, aortic calcification, abnormal dentition, and muscular weakness; Syndrome of widened medullary cavities of the metacarpals and phalanges, aortic calcification and abnormal dentition. Identifiers: Orphanet 85191, MedGen C4225427, MONDO:0024535, OMIM 182250.
Aicardi-Goutieres syndrome 7 (AGS7). Identifiers: Orphanet 51, MedGen C3888244, MONDO:0014367, OMIM 615846.

Submission:

Labcorp Genetics (formerly Invitae), Labcorp
Classification: Uncertain significance for Aicardi-Goutieres syndrome 7; Singleton-Merten syndrome 1. Last evaluated: 2023-05-20. Review status: criteria provided, single submitter. Criteria: Invitae Variant Classification Sherloc (09022015). Collection method: clinical testing. Allele origin: germline.
Comment: In summary, the available evidence is currently insufficient to determine the role of this variant in disease. Therefore, it has been classified as a Variant of Uncertain Significance. Advanced modeling of protein sequence and biophysical properties (such as structural, functional, and spatial information, amino acid conservation, physicochemical variation, residue mobility, and thermodynamic stability) has been performed at Invitae for this missense variant, however the output from this modeling did not meet the statistical confidence thresholds required to predict the impact of this variant on IFIH1 protein function. This variant has not been reported in the literature in individuals affected with IFIH1-related conditions. This variant is not present in population databases (gnomAD no frequency). This sequence change replaces histidine, which is basic and polar, with glutamine, which is neutral and polar, at codon 759 of the IFIH1 protein (p.His759Gln).

NM_022168.4(IFIH1):c.2277C>A (p.His759Gln)

Gene: IFIH1 (interferon induced with helicase C domain 1; minus strand). Cytogenetic location: 2q24.2.
Variant type: single nucleotide variant.
Coding change: c.2277C>A on transcript NM_022168.4 (MANE Select); coding-DNA position 2277, C replaced by A.
Protein change: p.His759Gln; replaces histidine 759 with glutamine.
Molecular consequence: missense variant.
Genome position (GRCh38, 1-based): chr2:162,276,714, G>T on the plus strand (C>A on the coding strand, the complement: IFIH1 is on the minus strand). VCF-style: chr2-162276714-G-T. GRCh37 (hg19) VCF-style: chr2-163133224-G-T.
Other names: short protein forms H759Q.
Identifiers: ClinVar variation 2947997 (VCV002947997.3), dbSNP rs1682675089, ClinGen allele CA348996260.